The following is an entry in ClinVar:

ClinVar aggregate classification (germline): Uncertain significance (1 of 4 stars; one submission).

Conditions:
Neuroblastoma, susceptibility to, 3. Also called: ALK-Related Neuroblastic Tumor Susceptibility. Identifiers: Orphanet 635, MedGen C2751681, MONDO:0013083, OMIM 613014.

Submission:

Labcorp Genetics (formerly Invitae), Labcorp
Classification: Uncertain significance for Neuroblastoma, susceptibility to, 3. Last evaluated: 2025-06-18. Review status: criteria provided, single submitter. Criteria: Invitae Variant Classification Sherloc (09022015). Collection method: clinical testing. Allele origin: germline.
Comment: This sequence change creates a premature translational stop signal (p.Met997Hisfs*4) in the ALK gene. It is expected to result in an absent or disrupted protein product. However, the current clinical and genetic evidence is not sufficient to establish whether loss-of-function variants in ALK cause disease. This variant is not present in population databases (gnomAD no frequency). This variant has not been reported in the literature in individuals affected with ALK-related conditions. ClinVar contains an entry for this variant (Variation ID: 651879). Algorithms developed to predict the effect of sequence changes on RNA splicing suggest that this variant may disrupt the consensus splice site. In summary, the available evidence is currently insufficient to determine the role of this variant in disease. Therefore, it has been classified as a Variant of Uncertain Significance.

NM_004304.5(ALK):c.2988dup (p.Met997fs)

Gene: ALK (ALK receptor tyrosine kinase; minus strand). Cytogenetic location: 2p23.2.
Variant type: Duplication.
Coding change: c.2988dup on transcript NM_004304.5 (MANE Select); coding-DNA position 2988, one base duplicated (C; older notation c.2988dupC).
Protein change: p.Met997fs; shifts the reading frame from methionine 997.
Molecular consequence: frameshift variant.
Genome position (GRCh38, 1-based): chr2:29,227,001, G duplicated on the plus strand (C on the coding strand, the reverse complement: ALK is on the minus strand). VCF-style (leftmost placement, unchanged base first): chr2-29227000-T-TG. GRCh37 (hg19) VCF-style: chr2-29449866-T-TG.
Other names: short protein forms M997fs.
Identifiers: ClinVar variation 651879 (VCV000651879.6), dbSNP rs1573131798, ClinGen allele CA915943770.